The following is an entry in ClinVar:

ClinVar aggregate classification (germline): Likely benign (1 of 4 stars; one submission).

Allele frequency attached by ClinVar (database versions not stated): gnomAD exomes 0.00023; gnomAD 0.00024; TOPMed 0.00026.
gnomAD v4.1: 293 of 1,229,426 alleles (0.024%); highest among the groups gnomAD compares: Middle Eastern, 0.81%; 2 homozygotes.

Submission:

CeGaT Center for Human Genetics Tuebingen
Classification: Likely benign. Last evaluated: 2022-12-01. Review status: criteria provided, single submitter. Criteria: CeGaT Center For Human Genetics Tuebingen Variant Classification Criteria Version 2. Collection method: clinical testing. Allele origin: germline. Affected: yes. Observed: 1 variant allele.
Comment: ENTREP1: BP4, BP7

NM_001347995.2(ENTREP1):c.297A>C (p.Ser99=)

Gene: ENTREP1 (endosomal transmembrane epsin interactor 1; plus strand). Cytogenetic location: 9q21.12.
Variant type: single nucleotide variant.
Coding change: c.297A>C on transcript NM_001347995.2 (MANE Select); coding-DNA position 297, A replaced by C.
Protein change: p.Ser99=; no amino-acid change (serine 99 retained).
Molecular consequence: synonymous variant. On other transcripts: intron variant (1).
Genome position (GRCh38, 1-based): chr9:69,325,606, A>C. VCF-style: chr9-69325606-A-C. GRCh37 (hg19) VCF-style: chr9-71940522-A-C.
Other names: c.-46+976A>C (NM_001127608.3).
Identifiers: ClinVar variation 2659242 (VCV002659242.24), dbSNP rs867889044, ClinGen allele CA193385719.
Genomic context (GRCh38, chr9:69,325,606, plus strand): 5'-CGCCGCCGCTGCCGCCGCGGCCCCGGGCTCCGCGCTGCTGCCCGCCCGCCCGCTGCTGTC[A>C]CTTGGGCTGCTTCAGCTGATCTTGGGCTGCTGCATGGTGGCGCTCAGCTTCGGGGCGCTG-3'
Protein context (NP_001334924.1, residues 89-109): SALLPARPLL[Ser99=]LGLLQLILGC